The following is an entry in ClinVar:

ClinVar aggregate classification (germline): Likely pathogenic (0 of 4 stars; one submission).

Conditions:
Abnormality of the eye. Identifiers: MedGen C4316870, HP:0000478.

Submission:

NIHR Bioresource Rare Diseases, University of Cambridge
Classification: Likely pathogenic for Disorder of eye. Review status: no assertion criteria provided. Collection method: research. Allele origin: unknown. Affected: yes. Observed: 1 variant allele.
Comment: Rare ocular disorder associated to additional undertermined phenotypes

Literature cited by the submitters: PubMed 28041643.

NM_001134831.2(AHI1):c.1912+1488_2036+506del

Gene: AHI1 (Abelson helper integration site 1; minus strand). Cytogenetic location: 6q23.3.
Variant type: Deletion.
Coding change: c.1912+1488_2036+506del on transcript NM_001134831.2 (MANE Select); 1488 bases into the intron after coding-DNA position 1912 through 506 bases into the intron after coding-DNA position 2036, 3,226 bases deleted.
Molecular consequence: splice acceptor variant, splice donor variant.
Genome position (GRCh38, 1-based): chr6:135,437,869-135,441,094, 3,226 bases deleted. GRCh37 (hg19): chr6:135,759,007-135,762,232.
Other names: c.1912+1488_2036+506del (NM_001134830.2, NM_001350503.2, NM_017651.5 and 2 more transcripts).
Identifiers: ClinVar variation 438231 (VCV000438231.2), ClinGen allele CA645509168.